The following is an entry in ClinVar:

NM_031448.6(C19orf12):c.*1361C>T

Gene: C19orf12 (chromosome 19 open reading frame 12; minus strand). Cytogenetic location: 19q12.
Variant type: single nucleotide variant.
Coding change: c.*1361C>T on transcript NM_031448.6 (MANE Select); 1361 bases downstream of the stop codon, C replaced by T.
Molecular consequence: 3 prime UTR variant.
Genome position (GRCh38, 1-based): chr19:29,701,351, G>A on the plus strand (C>T on the coding strand, the complement: C19orf12 is on the minus strand). VCF-style: chr19-29701351-G-A. GRCh37 (hg19) VCF-style: chr19-30192258-G-A.
Other names: c.*1361C>T (NM_001031726.4, NM_001256047.2, NM_001282929.1 and 2 more transcripts); c.*1408C>T (NM_001256046.3).
Identifiers: ClinVar variation 890578 (VCV000890578.4), dbSNP rs189239161, ClinGen allele CA9351750.

ClinVar aggregate classification (germline): Benign (1 of 4 stars; one submission).

Conditions:
Neurodegeneration with brain iron accumulation 4 (NBIA4). Also called: MITOCHONDRIAL PROTEIN-ASSOCIATED NEURODEGENERATION. Identifiers: Orphanet 289560, MedGen C3280371, MONDO:0013674, OMIM 614298. Disease mechanism: loss of function.

Allele frequency attached by ClinVar (database versions not stated): ExAC 0.00019; 1000 Genomes Project 0.00200; 1000 Genomes Project 30x 0.00203; TOPMed 0.00315.
gnomAD v4.1: 532 of 454,044 alleles (0.12%); highest among the groups gnomAD compares: African/African-American, 0.9%; 5 homozygotes.

Submission:

Illumina Laboratory Services, Illumina
Classification: Benign for Neurodegeneration with brain iron accumulation 4. Last evaluated: 2018-01-13. Review status: criteria provided, single submitter. Criteria: ICSL Variant Classification Criteria 13 December 2019. Collection method: clinical testing. Allele origin: germline.
Comment: This variant was observed in the ICSL laboratory as part of a predisposition screen in an ostensibly healthy population. It had not been previously curated by ICSL or reported in the Human Gene Mutation Database (HGMD: prior to June 1st, 2018), and was therefore a candidate for classification through an automated scoring system. Utilizing variant allele frequency, disease prevalence and penetrance estimates, and inheritance mode, an automated score was calculated to assess if this variant is too frequent to cause the disease. Based on the score and internal cut-off values, a variant classified as benign is not then subjected to further curation. The score for this variant resulted in a classification of benign for this disease.